The following is an entry in ClinVar:

ClinVar aggregate classification (germline): Uncertain significance (1 of 4 stars; one submission).

Conditions:
Cardiovascular phenotype. Identifiers: MedGen CN230736.

Submission:

Ambry Genetics
Classification: Uncertain significance for Cardiovascular phenotype. Last evaluated: 2022-04-29. Review status: criteria provided, single submitter. Criteria: Ambry Variant Classification Scheme 2023. Collection method: clinical testing. Allele origin: germline.
Comment: The p.R912S variant (also known as c.2734C>A), located in coding exon 1 of the ZNF469 gene, results from a C to A substitution at nucleotide position 2734. The arginine at codon 912 is replaced by serine, an amino acid with dissimilar properties. This amino acid position is conserved. In addition, this alteration is predicted to be tolerated by in silico analysis. Since supporting evidence is limited at this time, the clinical significance of this alteration remains unclear.

NM_001367624.2(ZNF469):c.2734C>A (p.Arg912Ser)

Gene: ZNF469 (zinc finger protein 469; plus strand). Cytogenetic location: 16q24.2.
Variant type: single nucleotide variant.
Coding change: c.2734C>A on transcript NM_001367624.2 (MANE Select); coding-DNA position 2734, C replaced by A.
Protein change: p.Arg912Ser; replaces arginine 912 with serine.
Molecular consequence: missense variant.
Genome position (GRCh38, 1-based): chr16:88,430,204, C>A. VCF-style: chr16-88430204-C-A. GRCh37 (hg19) VCF-style: chr16-88496612-C-A.
Other names: NM_001127464.1:c.2734C>A; short protein forms R912S.
Identifiers: ClinVar variation 1795318 (VCV001795318.2), dbSNP rs2507579870, ClinGen allele CA397075117.